The following is an entry in ClinVar:

ClinVar aggregate classification (germline): Likely benign. Review status: criteria provided, multiple submitters, no conflicts (2 of 4 stars). 3 submissions from 3 submitters: Likely benign (3). Last evaluated 2025-12-09.

Conditions:
Kleefstra syndrome 1 (KLEFS1). Identifiers: Orphanet 261494, MedGen C0795833, MONDO:0027407, OMIM 610253.

Allele frequency attached by ClinVar (database versions not stated): TOPMed 0.00006; ESP Exome Variant Server 0.00015.
gnomAD v4.1: 84 of 1,572,952 alleles (0.0053%); highest among the groups gnomAD compares: Middle Eastern, 0.017%; no homozygotes.

Submissions (3):

Labcorp Genetics (formerly Invitae), Labcorp
Classification: Likely benign for Kleefstra syndrome 1. Last evaluated: 2025-12-09. Review status: criteria provided, single submitter. Criteria: Invitae Variant Classification Sherloc (09022015). Collection method: clinical testing. Allele origin: germline.

Blueprint Genetics
Classification: Likely benign. Last evaluated: 2024-10-07. Review status: criteria provided, single submitter. Criteria: ACMG Guidelines, 2015. Collection method: clinical testing. Allele origin: germline.

CeGaT Center for Human Genetics Tuebingen
Classification: Likely benign. Last evaluated: 2022-10-01. Review status: criteria provided, single submitter. Criteria: CeGaT Center For Human Genetics Tuebingen Variant Classification Criteria Version 2. Collection method: clinical testing. Allele origin: germline. Affected: yes. Observed: 1 variant allele.
Comment: EHMT1: BP4, BP7

NM_024757.5(EHMT1):c.102C>T (p.Ala34=)

Gene: EHMT1 (euchromatic histone lysine methyltransferase 1; plus strand). Cytogenetic location: 9q34.3.
Variant type: single nucleotide variant.
Coding change: c.102C>T on transcript NM_024757.5 (MANE Select); coding-DNA position 102, C replaced by T.
Protein change: p.Ala34=; no amino-acid change (alanine 34 retained).
Molecular consequence: synonymous variant.
Genome position (GRCh38, 1-based): chr9:137,716,642, C>T. VCF-style: chr9-137716642-C-T. GRCh37 (hg19) VCF-style: chr9-140611094-C-T.
Other names: c.102C>T, p.Ala34= (NM_001145527.2, NM_001354263.2, NM_001354611.2); c.9C>T, p.Ala3= (NM_001354259.2, NM_001354612.2).
Identifiers: ClinVar variation 462973 (VCV000462973.36), dbSNP rs202208554, ClinGen allele CA5374177.
Genomic context (GRCh38, chr9:137,716,642, plus strand): 5'-AGAGCGTGGCCTGCAGTCAGTGACACTCGTTTCTTTGTTGGCAGAGACACCTATGGCTGC[C>T]GATGAAGGCTCAGCAGAGAAACAGGCAGGAGAGGCCCACATGGCTGCGGACGGTGAGACC-3'
Protein context (NP_079033.4, residues 24-44): ELLGEETPMA[Ala34=]DEGSAEKQAG